The following is an entry in ClinVar:

NM_001349338.3(FOXP1):c.1653_1669del (p.Asn552fs)

Gene: FOXP1 (forkhead box P1; minus strand). Cytogenetic location: 3p13.
Variant type: Deletion.
Coding change: c.1653_1669del on transcript NM_001349338.3 (MANE Select); coding-DNA positions 1653 to 1669, 17 bases deleted (TAACCCTTCCCTTATTA).
Protein change: p.Asn552fs; shifts the reading frame from asparagine 552.
Molecular consequence: frameshift variant. On other transcripts: non-coding transcript variant (2).
Genome position (GRCh38, 1-based): chr3:70,970,789-70,970,805, TAATAAGGGAAGGGTTA deleted on the plus strand (TAACCCTTCCCTTATTA on the coding strand, the reverse complement: FOXP1 is on the minus strand). VCF-style (leftmost placement, unchanged base first): chr3-70970788-TTAATAAGGGAAGGGTTA-T. GRCh37 (hg19) VCF-style: chr3-71019939-TTAATAAGGGAAGGGTTA-T.
Other names: c.1650_1666del, p.Asn551fs (NM_001244808.3, NM_001349341.3); c.1701_1717del17, p.His567fs (NM_001244810.2); c.1425_1441del, p.Asn476fs (NM_001244812.3); c.1353_1369del, p.Asn452fs (NM_001244813.3, NM_001244815.2, NM_001349342.3); c.1653_1669del, p.Asn552fs (NM_001244814.3, NM_001244816.2, NM_001349340.3 and 1 more transcripts); c.1350_1366del, p.Asn451fs (NM_001349337.2, NM_001349343.3, NM_001349344.3 and 1 more transcripts); short protein forms H567fs, N451fs, N452fs, N476fs, N551fs, N552fs.
Identifiers: ClinVar variation 1699444 (VCV001699444.3), dbSNP rs2107156767, ClinGen allele CA2573130273.

ClinVar aggregate classification (germline): Pathogenic (1 of 4 stars; one submission).

Conditions:
Intellectual disability-severe speech delay-mild dysmorphism syndrome (IDDLA). Also called: Mental retardation with language impairment and autistic features; Intellectual developmental disorder with language impairment AND with or without autistic features; FOXP1 Syndrome. Identifiers: Orphanet 391372, MedGen C4013764, MONDO:0013352, OMIM 613670.

Submission:

Victorian Clinical Genetics Services, Murdoch Childrens Research Institute
Classification: Pathogenic for Intellectual disability-severe speech delay-mild dysmorphism syndrome. Last evaluated: 2022-06-24. Review status: criteria provided, single submitter. Criteria: ACMG Guidelines, 2015. Collection method: clinical testing. Allele origin: germline. Inheritance: Autosomal dominant inheritance. Affected: yes.
Comment: Based on the classification scheme VCGS_Germline_v1.3.4, this variant is classified as Pathogenic. Following criteria are met: 0102 - Loss of function is a known mechanism of disease in this gene and is associated with intellectual disability with language impairment and with or without autistic features (MIM#613670). Dominant negative is also a suggested disease mechanism (OMIM). (I) 0107 - This gene is associated with autosomal dominant disease. (I) 0201 - Variant is predicted to cause nonsense-mediated decay (NMD) and loss of protein (premature termination codon is located at least 54 nucleotides upstream of the final exon-exon junction). (SP) 0251 - This variant is heterozygous. (I) 0301 - Variant is absent from gnomAD (both v2 and v3). (SP) 0701 - Other NMD-predicted variants comparable to the one identified in this case have very strong previous evidence for pathogenicity (DECIPHER). (SP) 0807 - This variant has no previous evidence of pathogenicity. (I) 0905 - No published segregation evidence has been identified for this variant. (I) 1007 - No published functional evidence has been identified for this variant. (I) 1208 - Inheritance information for this variant is not currently available in this individual. (I) Legend: (SP) - Supporting pathogenic, (I) - Information, (SB) - Supporting benign